The following is an entry in ClinVar:

ClinVar aggregate classification (germline): Benign (0 of 4 stars; one submission).

Conditions:
COQ5-related disorder. Also called: COQ5-related condition.

Allele frequency attached by ClinVar (database versions not stated): 1000 Genomes Project 0.07208; 1000 Genomes Project 30x 0.07292; TOPMed 0.07967; gnomAD 0.07970; ExAC 0.08000; gnomAD exomes 0.08051; ESP Exome Variant Server 0.08435.
gnomAD v4.1: 130,004 of 1,613,872 alleles (8.1%); highest among the groups gnomAD compares: South Asian, 9.7%; 5,544 homozygotes.

Submission:

PreventionGenetics, part of Exact Sciences
Classification: Benign for COQ5-related condition. Last evaluated: 2019-07-23. Review status: no assertion criteria provided. Collection method: clinical testing. Allele origin: germline.
Comment: This variant is classified as benign based on ACMG/AMP sequence variant interpretation guidelines (Richards et al. 2015 PMID: 25741868, with internal and published modifications).

NM_032314.4(COQ5):c.312G>A (p.Pro104=)

Gene: COQ5 (coenzyme Q5, methyltransferase; minus strand). Cytogenetic location: 12q24.31.
Variant type: single nucleotide variant.
Coding change: c.312G>A on transcript NM_032314.4 (MANE Select); coding-DNA position 312, G replaced by A.
Protein change: p.Pro104=; no amino-acid change (proline 104 retained).
Molecular consequence: synonymous variant.
Genome position (GRCh38, 1-based): chr12:120,522,254, C>T on the plus strand (G>A on the coding strand, the complement: COQ5 is on the minus strand). VCF-style: chr12-120522254-C-T. GRCh37 (hg19) VCF-style: chr12-120960057-C-T.
Identifiers: ClinVar variation 3060152 (VCV003060152.2), dbSNP rs503335, ClinGen allele CA6828863.